The following is an entry in ClinVar:

ClinVar aggregate classification (germline): Pathogenic/Likely pathogenic. Review status: criteria provided, multiple submitters, no conflicts (2 of 4 stars). 5 submissions from 5 submitters: Pathogenic (3); Likely pathogenic (1). 1 of the submissions does not count toward it. Last evaluated 2023-12-07.

Conditions:
GM1 gangliosidosis type 3. Also called: GANGLIOSIDOSIS, GENERALIZED GM1, ADULT TYPE; GANGLIOSIDOSIS, GENERALIZED GM1, CHRONIC TYPE; GANGLIOSIDOSIS, GENERALIZED GM1, TYPE III; GM1-GANGLIOSIDOSIS, TYPE III; Beta-galactosidase deficiency; Adult GM1 gangliosidosis. Identifiers: Orphanet 79257, MedGen C0268273, MONDO:0009262, OMIM 230650.
GM1 gangliosidosis type 2. Also called: GANGLIOSIDOSIS, GENERALIZED GM1, JUVENILE TYPE; GANGLIOSIDOSIS, GENERALIZED GM1, TYPE II; GM1-GANGLIOSIDOSIS, TYPE II; Juvenile GM>1< gangliosidosis; Gangliosidosis, Generalized GM1, Type 2. Identifiers: Orphanet 354, Orphanet 79256, MedGen C0268272, MONDO:0009261, OMIM 230600.
Infantile GM1 gangliosidosis. Also called: GM1 gangliosidosis type 1; GM1-gangliosidosis, type I; Gangliosidosis, generalized GM1, infantile form; GLB1 deficiency; Gangliosidosis, Generalized GM1, Type 1. Identifiers: Orphanet 354, Orphanet 79255, MedGen C0268271, MONDO:0009260, OMIM 230500.
Mucopolysaccharidosis, MPS-IV-B (MPS4B). Also called: Mucopolysaccharidosis type 4B; Mucopolysaccharidosis Type IVB (Morquio B Disease); MORQUIO SYNDROME B; Mucopolysaccharidosis type IVB (Morquio); MPS IVB; Mucopolysaccharidosis type IV B. Identifiers: Orphanet 309310, Orphanet 582, MedGen C0086652, MONDO:0009660, OMIM 253010.
GM1 gangliosidosis. Identifiers: Orphanet 354, MedGen C0085131, MONDO:0018149.

Allele frequency attached by ClinVar (database versions not stated): gnomAD exomes below 0.00001.

Submissions (5):

Labcorp Genetics (formerly Invitae), Labcorp
Classification: Pathogenic for Mucopolysaccharidosis, MPS-IV-B; GM1 gangliosidosis. Last evaluated: 2023-12-07. Review status: criteria provided, single submitter. Criteria: Invitae Variant Classification Sherloc (09022015). Collection method: clinical testing. Allele origin: germline.
Comment: This variant results in the deletion of part of exon 1 of the GLB1 gene. It is expected to disrupt RNA splicing. Variants that disrupt the donor or acceptor splice site typically lead to a loss of protein function (PMID: 16199547), and loss-of-function variants in GLB1 are known to be pathogenic (PMID: 18524657). This variant is present in population databases (no rsID available, gnomAD 0.007%). This variant has been observed in individual(s) with GM1-gangliosidosis (PMID: 36265282). ClinVar contains an entry for this variant (Variation ID: 555329). For these reasons, this variant has been classified as Pathogenic.

Foundation for Research in Genetics and Endocrinology, FRIGE's Institute of Human Genetics
Classification: Pathogenic for Infantile GM1 gangliosidosis. Last evaluated: 2021-09-13. Review status: criteria provided, single submitter. Criteria: ACMG Guidelines, 2015. Collection method: clinical testing. Allele origin: germline. Inheritance: Autosomal recessive inheritance. Affected: yes. Observed: 1 homozygote.
Comment: A homozygous deletion in exon 1/Intron1 of the GLB1 gene that results in the amino acid deletion fron codon 22 to 26 was detected. The observed variant c.65_75+1 (p.Arg22_Asn26delinsGln) has a minor allele frequency of 0.04% gnomAD databases. The in silico prediction of the variant is damaging by SIFT, LRT and MutationTaster2. The reference codon is conserved across species. In summary, the variant meets our criteria to be classified as a pathogenic.

Revvity Omics, Revvity
Classification: Pathogenic. Last evaluated: 2020-02-25. Review status: criteria provided, single submitter. Criteria: ACMG Guidelines, 2015. Collection method: clinical testing. Allele origin: germline.

Neuberg Centre For Genomic Medicine, NCGM
Classification: Likely pathogenic for Infantile GM1 gangliosidosis. Review status: criteria provided, single submitter. Criteria: ACMG Guidelines, 2015. Collection method: clinical testing. Allele origin: germline. Inheritance: Autosomal recessive inheritance. Affected: yes.
Comment: The splice site c.65_75+1del variant has not been reported previously as a pathogenic variant nor as a benign variant, to our knowledge. The variant is novel (not in any individuals) in 1000 Genomes and in 0.0004% alleles in heterozygous state in gnomAD. This variant has been reported to the ClinVar database as Likely Pathogenic. Loss of function variants have been previously reported to be disease causing. For these reasons, this variant has been classified as Likely Pathogenic.

Counsyl
Classification: Likely pathogenic for Infantile GM1 gangliosidosis; GM1 gangliosidosis type 2; GM1 gangliosidosis type 3; Mucopolysaccharidosis, MPS-IV-B. Last evaluated: 2017-11-29. Review status: no assertion criteria provided. Collection method: clinical testing. Allele origin: unknown. Not counted in ClinVar's aggregate classification.

Literature cited by the submitters: PubMed 16199547 (cited by Labcorp Genetics (formerly Invitae), Labcorp); PubMed 18524657 (cited by Labcorp Genetics (formerly Invitae), Labcorp); PubMed 36265282 (cited by Labcorp Genetics (formerly Invitae), Labcorp).

NM_000404.4(GLB1):c.65_75+1del

Genes: GLB1 (galactosidase beta 1; minus strand), TMPPE (transmembrane protein with metallophosphoesterase domain; minus strand), LOC129936434 (ATAC-STARR-seq lymphoblastoid silent region 14182; plus strand). Cytogenetic location: 3p22.3.
Variant type: Deletion.
Coding change: c.65_75+1del on transcript NM_000404.4 (MANE Select); coding-DNA position 65 through the canonical splice donor site of the intron after coding-DNA position 75, 12 bases deleted (GCGGCTTGCGCG).
Molecular consequence: splice donor variant. On other transcripts: 5 prime UTR variant (2).
Genome position (GRCh38, 1-based): chr3:33,097,010-33,097,021, CGCGCAAGCCGC deleted on the plus strand (GCGGCTTGCGCG on the coding strand, the reverse complement: GLB1 is on the minus strand). VCF-style (leftmost placement, unchanged base first): chr3-33097009-ACGCGCAAGCCGC-A. GRCh37 (hg19) VCF-style: chr3-33138501-ACGCGCAAGCCGC-A.
Other names: p.Arg22_Asn26delinsGLn; c.65_75+1del12 (NM_000404.2); c.-411_-400del (NM_001039770.3); c.-307_-296del (NM_001136238.2); c.65_75+1del (NM_001393580.1, NM_001135602.3, NM_001317040.2).
Identifiers: ClinVar variation 555329 (VCV000555329.14), dbSNP rs1382394474, ClinGen allele CA542197780.